The following is an entry in ClinVar:

ClinVar aggregate classification (germline): Uncertain significance (1 of 4 stars; one submission).

Allele frequency attached by ClinVar (database versions not stated): gnomAD 0.00001; gnomAD exomes 0.00003; TOPMed 0.00003.
gnomAD v4.1: 45 of 1,612,248 alleles (0.0028%); highest among the groups gnomAD compares: Non-Finnish European, 0.0036%; no homozygotes.

Submission:

Labcorp Genetics (formerly Invitae), Labcorp
Classification: Uncertain significance. Last evaluated: 2022-07-10. Review status: criteria provided, single submitter. Criteria: Invitae Variant Classification Sherloc (09022015). Collection method: clinical testing. Allele origin: germline.
Comment: This sequence change replaces threonine, which is neutral and polar, with alanine, which is neutral and non-polar, at codon 459 of the C2CD3 protein (p.Thr459Ala). This variant is present in population databases (rs141826355, gnomAD 0.005%). This variant has not been reported in the literature in individuals affected with C2CD3-related conditions. Algorithms developed to predict the effect of missense changes on protein structure and function (SIFT, PolyPhen-2, Align-GVGD) all suggest that this variant is likely to be tolerated. In summary, the available evidence is currently insufficient to determine the role of this variant in disease. Therefore, it has been classified as a Variant of Uncertain Significance.

NM_001286577.2(C2CD3):c.1375A>G (p.Thr459Ala)

Gene: C2CD3 (C2 domain containing 3 centriole elongation regulator; minus strand). Cytogenetic location: 11q13.4.
Variant type: single nucleotide variant.
Coding change: c.1375A>G on transcript NM_001286577.2 (MANE Select); coding-DNA position 1375, A replaced by G.
Protein change: p.Thr459Ala; replaces threonine 459 with alanine.
Molecular consequence: missense variant.
Genome position (GRCh38, 1-based): chr11:74,118,373, T>C on the plus strand (A>G on the coding strand, the complement: C2CD3 is on the minus strand). VCF-style: chr11-74118373-T-C. GRCh37 (hg19) VCF-style: chr11-73829418-T-C.
Other names: c.1375A>G, p.Thr459Ala (NM_015531.6); short protein forms T459A.
Identifiers: ClinVar variation 2200588 (VCV002200588.1), dbSNP rs141826355, ClinGen allele CA224528406.